The following is an entry in ClinVar:

ClinVar aggregate classification (germline): Uncertain significance. Review status: criteria provided, multiple submitters, no conflicts (2 of 4 stars). 2 submissions from 2 submitters: Uncertain significance (2). Last evaluated 2025-03-08.

Submissions (2):

Ambry Genetics
Classification: Uncertain significance. Last evaluated: 2025-03-08. Review status: criteria provided, single submitter. Criteria: Ambry Variant Classification Scheme 2023. Collection method: clinical testing. Allele origin: germline.
Comment: The p.V259M variant (also known as c.775G>A), located in coding exon 4 of the GALNT12 gene, results from a G to A substitution at nucleotide position 775. The valine at codon 259 is replaced by methionine, an amino acid with highly similar properties. This amino acid position is highly conserved in available vertebrate species. In addition, this alteration is predicted to be deleterious by in silico analysis. Since supporting evidence is limited at this time, the clinical significance of this alteration remains unclear.

Labcorp Genetics (formerly Invitae), Labcorp
Classification: Uncertain significance. Last evaluated: 2024-07-01. Review status: criteria provided, single submitter. Criteria: Invitae Variant Classification Sherloc (09022015). Collection method: clinical testing. Allele origin: germline.
Comment: This sequence change replaces valine, which is neutral and non-polar, with methionine, which is neutral and non-polar, at codon 259 of the GALNT12 protein (p.Val259Met). This variant is not present in population databases (gnomAD no frequency). This variant has not been reported in the literature in individuals affected with GALNT12-related conditions. ClinVar contains an entry for this variant (Variation ID: 1760490). Advanced modeling of protein sequence and biophysical properties (such as structural, functional, and spatial information, amino acid conservation, physicochemical variation, residue mobility, and thermodynamic stability) performed at Invitae indicates that this missense variant is not expected to disrupt GALNT12 protein function with a negative predictive value of 80%. In summary, the available evidence is currently insufficient to determine the role of this variant in disease. Therefore, it has been classified as a Variant of Uncertain Significance.

NM_024642.5(GALNT12):c.775G>A (p.Val259Met)

Gene: GALNT12 (polypeptide N-acetylgalactosaminyltransferase 12; plus strand). Cytogenetic location: 9q22.33.
Variant type: single nucleotide variant.
Coding change: c.775G>A on transcript NM_024642.5 (MANE Select); coding-DNA position 775, G replaced by A.
Protein change: p.Val259Met; replaces valine 259 with methionine.
Molecular consequence: missense variant.
Genome position (GRCh38, 1-based): chr9:98,831,815, G>A. VCF-style: chr9-98831815-G-A. GRCh37 (hg19) VCF-style: chr9-101594097-G-A.
Other names: short protein forms V259M.
Identifiers: ClinVar variation 1760490 (VCV001760490.6), dbSNP rs2490517298, ClinGen allele CA374217979.
Genomic context (GRCh38, chr9:98,831,815, plus strand): 5'-GTCTTGGGTGCTTTCAGGATCCATGAAGAGGAGTCGGCAGTGGTGTGCCCGGTGATTGAT[G>A]TGATCGACTGGAACACCTTCGAATACCTGGGGAACTCCGGGGAGCCCCAGATCGGCGGTT-3'
Protein context (NP_078918.3, residues 249-269): ESAVVCPVID[Val259Met]IDWNTFEYLG